The following is an entry in ClinVar:

NM_052947.4(ALPK2):c.6079G>A (p.Ala2027Thr)

Gene: ALPK2 (alpha kinase 2; minus strand). Cytogenetic location: 18q21.31.
Variant type: single nucleotide variant.
Coding change: c.6079G>A on transcript NM_052947.4 (MANE Select); coding-DNA position 6079, G replaced by A.
Protein change: p.Ala2027Thr; replaces alanine 2027 with threonine.
Molecular consequence: missense variant.
Genome position (GRCh38, 1-based): chr18:58,504,099, C>T on the plus strand (G>A on the coding strand, the complement: ALPK2 is on the minus strand). VCF-style: chr18-58504099-C-T. GRCh37 (hg19) VCF-style: chr18-56171331-C-T.
Other names: short protein forms A2027T.
Identifiers: ClinVar variation 1751425 (VCV001751425.2), dbSNP rs2051447942, ClinGen allele CA402544447.
Genomic context (GRCh38, chr18:58,504,099, plus strand): 5'-CTTTCCCATCCCTGATGGAATACTTCACAAATTCTCCAATCAGCTCCTCCTCCACTGTAG[C>T]ATACGGGATATTGTTCTCAGGCCGATGGATAAGAAAAATAGGAATGATCCTGGCAGGGAA-3'
Protein context (NP_443179.3, residues 2017-2037): IHRPENNIPY[Ala2027Thr]TVEEELIGEF

ClinVar aggregate classification (germline): Uncertain significance (1 of 4 stars; one submission).

Allele frequency attached by ClinVar (database versions not stated): gnomAD exomes below 0.00001; TOPMed 0.00001.

Submission:

Ambry Genetics
Classification: Uncertain significance. Last evaluated: 2022-04-24. Review status: criteria provided, single submitter. Criteria: Ambry Variant Classification Scheme 2023. Collection method: clinical testing. Allele origin: germline.
Comment: The p.A2027T variant (also known as c.6079G>A), located in coding exon 10 of the ALPK2 gene, results from a G to A substitution at nucleotide position 6079. The alanine at codon 2027 is replaced by threonine, an amino acid with similar properties. This amino acid position is conserved. In addition, this alteration is predicted to be tolerated by in silico analysis. Since supporting evidence is limited at this time, the clinical significance of this alteration remains unclear.